The following is an entry in ClinVar:

NM_005186.4(CAPN1):c.910_926dup (p.Asp309fs)

Gene: CAPN1 (calpain 1; plus strand). Cytogenetic location: 11q13.1.
Variant type: Duplication.
Coding change: c.910_926dup on transcript NM_005186.4 (MANE Select); coding-DNA positions 910 to 926, 17 bases duplicated (ACGGGAGCCTGGAGCGA).
Protein change: p.Asp309fs; shifts the reading frame from aspartic acid 309.
Molecular consequence: frameshift variant. On other transcripts: non-coding transcript variant (1).
Genome position (GRCh38, 1-based): chr11:65,188,021-65,188,037, ACGGGAGCCTGGAGCGA duplicated. VCF-style (leftmost placement, unchanged base first): chr11-65188020-G-GACGGGAGCCTGGAGCGA. GRCh37 (hg19) VCF-style: chr11-64955491-G-GACGGGAGCCTGGAGCGA.
Other names: c.910_926dup, p.Asp309fs (NM_001198868.2, NM_001198869.2); c.748_764dup, p.Asp255Glufs (NM_001198870.1); short protein forms D309fs.
Identifiers: ClinVar variation 2135435 (VCV002135435.4), dbSNP rs2539266663, ClinGen allele CA2580084437.

ClinVar aggregate classification (germline): Pathogenic (1 of 4 stars; one submission).

Submission:

Labcorp Genetics (formerly Invitae), Labcorp
Classification: Pathogenic. Last evaluated: 2021-11-24. Review status: criteria provided, single submitter. Criteria: Invitae Variant Classification Sherloc (09022015). Collection method: clinical testing. Allele origin: germline.
Comment: This sequence change creates a premature translational stop signal (p.Asp309Glufs*91) in the CAPN1 gene. It is expected to result in an absent or disrupted protein product. Loss-of-function variants in CAPN1 are known to be pathogenic (PMID: 27153400, 27320912). This variant is not present in population databases (gnomAD no frequency). This variant has not been reported in the literature in individuals affected with CAPN1-related conditions. For these reasons, this variant has been classified as Pathogenic.

Literature cited by the submitters: PubMed 27153400; PubMed 27320912.